The following is an entry in ClinVar:

ClinVar aggregate classification (germline): Likely benign. Review status: criteria provided, multiple submitters, no conflicts (2 of 4 stars). 3 submissions from 3 submitters: Likely benign (2). 1 of the submissions does not count toward it. Last evaluated 2023-11-03.

Conditions:
Zellweger spectrum disorders (ZS). Also called: Zellweger Spectrum Disorder; Zellweger Spectrum; Zellweger Spectrum Disorder (ZSD); Zellweger syndrome. Identifiers: Orphanet 912, MedGen C0043459, MONDO:0019609.
PEX1-related disorder. Also called: PEX1-related condition.

Allele frequency attached by ClinVar (database versions not stated): gnomAD exomes below 0.00001; ExAC 0.00001; TOPMed 0.00001.
gnomAD v4.1: 2 of 1,609,536 alleles (0.00012%); highest among the groups gnomAD compares: East Asian, 0.0022%; no homozygotes.

Submissions (3):

Blueprint Genetics
Classification: Likely benign. Last evaluated: 2023-11-03. Review status: criteria provided, single submitter. Criteria: ACMG Guidelines, 2015. Collection method: clinical testing. Allele origin: germline.

Labcorp Genetics (formerly Invitae), Labcorp
Classification: Likely benign for Zellweger spectrum disorders. Last evaluated: 2023-09-29. Review status: criteria provided, single submitter. Criteria: Invitae Variant Classification Sherloc (09022015). Collection method: clinical testing. Allele origin: germline.

PreventionGenetics, part of Exact Sciences
Classification: Likely benign for PEX1-related condition. Last evaluated: 2021-09-14. Review status: no assertion criteria provided. Collection method: clinical testing. Allele origin: germline. Not counted in ClinVar's aggregate classification.
Comment: This variant is classified as likely benign based on ACMG/AMP sequence variant interpretation guidelines (Richards et al. 2015 PMID: 25741868, with internal and published modifications).

NM_000466.3(PEX1):c.2253T>C (p.Asn751=)

Gene: PEX1 (peroxisomal biogenesis factor 1; minus strand). Cytogenetic location: 7q21.2.
Variant type: single nucleotide variant.
Coding change: c.2253T>C on transcript NM_000466.3 (MANE Select); coding-DNA position 2253, T replaced by C.
Protein change: p.Asn751=; no amino-acid change (asparagine 751 retained).
Molecular consequence: synonymous variant.
Genome position (GRCh38, 1-based): chr7:92,502,053, A>G on the plus strand (T>C on the coding strand, the complement: PEX1 is on the minus strand). VCF-style: chr7-92502053-A-G. GRCh37 (hg19) VCF-style: chr7-92131367-A-G.
Other names: c.2082T>C, p.Asn694= (NM_001282677.2); c.1629T>C, p.Asn543= (NM_001282678.2); c.2253T>C (NM_000466.2).
Identifiers: ClinVar variation 1664901 (VCV001664901.12), dbSNP rs769925670, ClinGen allele CA4341168.